The following is an entry in ClinVar:

NM_001005337.3(PKP1):c.*1305T>C

Gene: PKP1 (plakophilin 1; plus strand). Cytogenetic location: 1q32.1.
Variant type: single nucleotide variant.
Coding change: c.*1305T>C on transcript NM_001005337.3 (MANE Select); 1305 bases downstream of the stop codon, T replaced by C.
Molecular consequence: 3 prime UTR variant.
Genome position (GRCh38, 1-based): chr1:201,331,346, T>C. VCF-style: chr1-201331346-T-C. GRCh37 (hg19) VCF-style: chr1-201300474-T-C.
Other names: c.*1305T>C (NM_000299.4).
Identifiers: ClinVar variation 294863 (VCV000294863.6), dbSNP rs188915730, ClinGen allele CA10609398.

ClinVar aggregate classification (germline): Likely benign. Review status: criteria provided, multiple submitters, no conflicts (2 of 4 stars). 2 submissions from 2 submitters: Likely benign (2). Last evaluated 2018-01-13.

Conditions:
Epidermolysis bullosa simplex due to plakophilin deficiency. Also called: MCGRATH SYNDROME. Identifiers: Orphanet 158668, MedGen C1858302, MONDO:0011472, OMIM 604536.

Allele frequency attached by ClinVar (database versions not stated): TOPMed 0.00032; gnomAD 0.00039 and 0.00041; 1000 Genomes Project 0.00080; 1000 Genomes Project 30x 0.00094.

Submissions (2):

Illumina Laboratory Services, Illumina
Classification: Likely benign for Epidermolysis bullosa simplex due to plakophilin deficiency. Last evaluated: 2018-01-13. Review status: criteria provided, single submitter. Criteria: ICSL Variant Classification Criteria 13 December 2019. Collection method: clinical testing. Allele origin: germline.
Comment: This variant was observed in the ICSL laboratory as part of a predisposition screen in an ostensibly healthy population. It had not been previously curated by ICSL or reported in the Human Gene Mutation Database (HGMD: prior to June 1st, 2018), and was therefore a candidate for classification through an automated scoring system. Utilizing variant allele frequency, disease prevalence and penetrance estimates, and inheritance mode, an automated score was calculated to assess if this variant is too frequent to cause the disease. Based on the score and internal cut-off values, a variant classified as likely benign is not then subjected to further curation. The score for this variant resulted in a classification of likely benign for this disease.

Breakthrough Genomics
Classification: Likely benign. Review status: criteria provided, single submitter. Criteria: ACMG Guidelines, 2015. Collection method: not provided. Allele origin: germline. Inheritance: Autosomal recessive inheritance. Affected: yes.